The following is an entry in ClinVar:

NM_002796.3(PSMB4):c.22C>T (p.Arg8Trp)

Gene: PSMB4 (proteasome 20S subunit beta 4; plus strand). Cytogenetic location: 1q21.3.
Variant type: single nucleotide variant.
Coding change: c.22C>T on transcript NM_002796.3 (MANE Select); coding-DNA position 22, C replaced by T.
Protein change: p.Arg8Trp; replaces arginine 8 with tryptophan.
Molecular consequence: missense variant.
Genome position (GRCh38, 1-based): chr1:151,399,609, C>T. VCF-style: chr1-151399609-C-T. GRCh37 (hg19) VCF-style: chr1-151372085-C-T.
Other names: short protein forms R8W.
Identifiers: ClinVar variation 2121876 (VCV002121876.4), dbSNP rs11557384, ClinGen allele CA29562856.

ClinVar aggregate classification (germline): Uncertain significance (1 of 4 stars; one submission).

Allele frequency attached by ClinVar (database versions not stated): gnomAD exomes below 0.00001.
gnomAD v4.1: 1 of 1,612,556 alleles (0.000062%); highest among the groups gnomAD compares: Non-Finnish European, 0.000085%; no homozygotes.

Submission:

Labcorp Genetics (formerly Invitae), Labcorp
Classification: Uncertain significance. Last evaluated: 2022-04-15. Review status: criteria provided, single submitter. Criteria: Invitae Variant Classification Sherloc (09022015). Collection method: clinical testing. Allele origin: germline.
Comment: This sequence change replaces arginine, which is basic and polar, with tryptophan, which is neutral and slightly polar, at codon 8 of the PSMB4 protein (p.Arg8Trp). In summary, the available evidence is currently insufficient to determine the role of this variant in disease. Therefore, it has been classified as a Variant of Uncertain Significance. Algorithms developed to predict the effect of missense changes on protein structure and function are either unavailable or do not agree on the potential impact of this missense change (SIFT: "Deleterious"; PolyPhen-2: "Benign"; Align-GVGD: "Class C0"). This variant has not been reported in the literature in individuals affected with PSMB4-related conditions. This variant is not present in population databases (gnomAD no frequency).